The following is an entry in ClinVar:

ClinVar aggregate classification (germline): Uncertain significance (1 of 4 stars; one submission).

Allele frequency attached by ClinVar (database versions not stated): gnomAD exomes below 0.00001.
gnomAD v4.1: 1 of 1,614,140 alleles (0.000062%); highest among the groups gnomAD compares: Non-Finnish European, 0.000085%; no homozygotes.

Submission:

Labcorp Genetics (formerly Invitae), Labcorp
Classification: Uncertain significance. Last evaluated: 2025-03-31. Review status: criteria provided, single submitter. Criteria: Invitae Variant Classification Sherloc (09022015). Collection method: clinical testing. Allele origin: germline.
Comment: This sequence change falls in intron 15 of the MYH3 gene. It does not directly change the encoded amino acid sequence of the MYH3 protein. It affects a nucleotide within the consensus splice site. This variant is not present in population databases (gnomAD no frequency). This variant has not been reported in the literature in individuals affected with MYH3-related conditions. ClinVar contains an entry for this variant (Variation ID: 2741160). Variants that disrupt the consensus splice site are a relatively common cause of aberrant splicing (PMID: 17576681, 9536098). Algorithms developed to predict the effect of sequence changes on RNA splicing suggest that this variant is not likely to affect RNA splicing. In summary, the available evidence is currently insufficient to determine the role of this variant in disease. Therefore, it has been classified as a Variant of Uncertain Significance.

Literature cited by the submitters: PubMed 17576681; PubMed 9536098.

NM_002470.4(MYH3):c.1581+5C>G

Gene: MYH3 (myosin heavy chain 3; minus strand). Cytogenetic location: 17p13.1.
Variant type: single nucleotide variant.
Coding change: c.1581+5C>G on transcript NM_002470.4 (MANE Select); 5 bases into the intron after coding-DNA position 1581, C replaced by G.
Molecular consequence: intron variant.
Genome position (GRCh38, 1-based): chr17:10,642,821, G>C on the plus strand (C>G on the coding strand, the complement: MYH3 is on the minus strand). VCF-style: chr17-10642821-G-C. GRCh37 (hg19) VCF-style: chr17-10546138-G-C.
Identifiers: ClinVar variation 2741160 (VCV002741160.3), dbSNP rs2508613394, ClinGen allele CA2636122688.